The following is an entry in ClinVar:

ClinVar aggregate classification (germline): Uncertain significance (1 of 4 stars; one submission).

Submission:

Labcorp Genetics (formerly Invitae), Labcorp
Classification: Uncertain significance. Last evaluated: 2024-11-05. Review status: criteria provided, single submitter. Criteria: Invitae Variant Classification Sherloc (09022015). Collection method: clinical testing. Allele origin: germline.
Comment: This sequence change replaces arginine, which is basic and polar, with glycine, which is neutral and non-polar, at codon 34 of the CEP19 protein (p.Arg34Gly). This variant is not present in population databases (gnomAD no frequency). This variant has not been reported in the literature in individuals affected with CEP19-related conditions. ClinVar contains an entry for this variant (Variation ID: 1038987). An algorithm developed to predict the effect of missense changes on protein structure and function (PolyPhen-2) suggests that this variant is likely to be disruptive. In summary, the available evidence is currently insufficient to determine the role of this variant in disease. Therefore, it has been classified as a Variant of Uncertain Significance.

NM_032898.5(CEP19):c.88C>G (p.Arg30Gly)

Gene: CEP19 (centrosomal protein 19; minus strand). Cytogenetic location: 3q29.
Variant type: single nucleotide variant.
Coding change: c.88C>G on transcript NM_032898.5 (MANE Select); coding-DNA position 88, C replaced by G.
Protein change: p.Arg30Gly; replaces arginine 30 with glycine.
Molecular consequence: missense variant. On other transcripts: intron variant (1).
Genome position (GRCh38, 1-based): chr3:196,708,570, G>C on the plus strand (C>G on the coding strand, the complement: CEP19 is on the minus strand). VCF-style: chr3-196708570-G-C. GRCh37 (hg19) VCF-style: chr3-196435441-G-C.
Other names: c.88C>G, p.Arg30Gly (NM_001379469.1, NM_001379470.1); c.26-658C>G (NM_001379468.1); short protein forms R30G.
Identifiers: ClinVar variation 1038987 (VCV001038987.5), dbSNP rs773149461, ClinGen allele CA355634790.